The following is an entry in ClinVar:

ClinVar aggregate classification (germline): Conflicting classifications of pathogenicity. Review status: criteria provided, conflicting classifications (1 of 4 stars). 2 submissions from 2 submitters: Uncertain significance (1); Likely benign (1). Last evaluated 2023-03-23.

Conditions:
Hereditary breast ovarian cancer syndrome. Also called: Hereditary breast and ovarian cancer; Hereditary breast and ovarian cancer syndrome; Breast and ovarian cancer; BRCA1- and BRCA2-Associated Hereditary Breast and Ovarian Cancer; Hereditary breast and/or ovarian cancer syndrome; Hereditary breast and ovarian cancer syndrome (HBOC). Identifiers: Orphanet 145, MedGen C0677776, MeSH D061325, MONDO:0003582. Disease mechanism: loss of function.
Hereditary cancer-predisposing syndrome. Also called: Hereditary Cancer Syndrome; Tumor predisposition; Neoplastic Syndromes, Hereditary; Hereditary neoplastic syndrome. Identifiers: Orphanet 140162, MedGen C0027672, MeSH D009386, MONDO:0015356.

Submissions (2):

University of Washington Department of Laboratory Medicine, University of Washington
Classification: Likely benign for Hereditary cancer-predisposing syndrome. Last evaluated: 2023-03-23. Review status: criteria provided, single submitter. Criteria: Dines et al. (Genet Med. 2020). Collection method: curation. Allele origin: germline.
Comment: Missense variant in a coldspot region where missense variants are very unlikely to be pathogenic (PMID:31911673).

BRCA1 coldspot (exon 11 using historical exon numbering). Reclassification based on statistical prior probability

Labcorp Genetics (formerly Invitae), Labcorp
Classification: Uncertain significance for Hereditary breast ovarian cancer syndrome. Last evaluated: 2022-02-25. Review status: criteria provided, single submitter. Criteria: Invitae Variant Classification Sherloc (09022015). Collection method: clinical testing. Allele origin: germline.
Comment: This sequence change replaces glutamic acid, which is acidic and polar, with glycine, which is neutral and non-polar, at codon 540 of the BRCA1 protein (p.Glu540Gly). In summary, the available evidence is currently insufficient to determine the role of this variant in disease. Therefore, it has been classified as a Variant of Uncertain Significance. Advanced modeling of protein sequence and biophysical properties (such as structural, functional, and spatial information, amino acid conservation, physicochemical variation, residue mobility, and thermodynamic stability) performed at Invitae indicates that this missense variant is not expected to disrupt BRCA1 protein function. This variant has not been reported in the literature in individuals affected with BRCA1-related conditions. This variant is not present in population databases (gnomAD no frequency).

NM_007294.4(BRCA1):c.1619A>G (p.Glu540Gly)

Gene: BRCA1 (BRCA1 DNA repair associated; minus strand). Cytogenetic location: 17q21.31.
Variant type: single nucleotide variant.
Coding change: c.1619A>G on transcript NM_007294.4 (MANE Select); coding-DNA position 1619, A replaced by G.
Protein change: p.Glu540Gly; replaces glutamic acid 540 with glycine.
Molecular consequence: missense variant. On other transcripts: intron variant (137).
Genome position (GRCh38, 1-based): chr17:43,093,912, T>C on the plus strand (A>G on the coding strand, the complement: BRCA1 is on the minus strand). VCF-style: chr17-43093912-T-C. GRCh37 (hg19) VCF-style: chr17-41245929-T-C.
Other names: c.787+832A>G (NM_001407970.1, NM_001407980.1, NM_001407993.1 and 19 more transcripts); c.1406A>G, p.Glu469Gly (NM_001407571.1, NM_001407853.1, NM_001407894.1 and 9 more transcripts); c.1619A>G, p.Glu540Gly (NM_001407581.1, NM_001407582.1, NM_001407583.1 and 30 more transcripts); c.1616A>G, p.Glu539Gly (NM_001407587.1, NM_001407590.1, NM_001407591.1 and 22 more transcripts); c.1610A>G, p.Glu537Gly (NM_001407646.1, NM_001407647.1); c.1496A>G, p.Glu499Gly (NM_001407648.1, NM_001407664.1, NM_001407665.1 and 19 more transcripts); c.1493A>G, p.Glu498Gly (NM_001407649.1, NM_001407670.1, NM_001407671.1 and 11 more transcripts); c.1541A>G, p.Glu514Gly (NM_001407653.1, NM_001407654.1, NM_001407655.1 and 4 more transcripts); and 40 more; short protein forms E469G, E472G, E493G, E244G, E412G, E429G, E470G, E473G.
Identifiers: ClinVar variation 2103445 (VCV002103445.6), dbSNP rs1375255651, ClinGen allele CA10598805.